The following is an entry in ClinVar:

NM_006767.4(LZTR1):c.1336G>A (p.Glu446Lys)

Gene: LZTR1 (leucine zipper like post translational regulator 1; plus strand). Cytogenetic location: 22q11.21.
Variant type: single nucleotide variant.
Coding change: c.1336G>A on transcript NM_006767.4 (MANE Select); coding-DNA position 1336, G replaced by A.
Protein change: p.Glu446Lys; replaces glutamic acid 446 with lysine.
Molecular consequence: missense variant.
Genome position (GRCh38, 1-based): chr22:20,993,737, G>A. VCF-style: chr22-20993737-G-A. GRCh37 (hg19) VCF-style: chr22-21348026-G-A.
Other names: short protein forms E446K.
Identifiers: ClinVar variation 1770244 (VCV001770244.8), dbSNP rs1339837843, ClinGen allele CA410774663.

ClinVar aggregate classification (germline): Uncertain significance. Review status: criteria provided, multiple submitters, no conflicts (2 of 4 stars). 3 submissions from 3 submitters: Uncertain significance (3). Last evaluated 2026-08-23.

Conditions:
Cardiovascular phenotype. Identifiers: MedGen CN230736.
Hereditary cancer-predisposing syndrome. Also called: Hereditary Cancer Syndrome; Hereditary neoplastic syndrome; Neoplastic Syndromes, Hereditary; Tumor predisposition. Identifiers: Orphanet 140162, MedGen C0027672, MeSH D009386, MONDO:0015356.

Allele frequency attached by ClinVar (database versions not stated): gnomAD 0.00001; TOPMed 0.00002.
gnomAD v4.1: 3 of 1,613,140 alleles (0.00019%); highest among the groups gnomAD compares: African/African-American, 0.004%; no homozygotes.

Submissions (3):

Ambry Genetics
Classification: Uncertain significance for Cardiovascular phenotype; Hereditary cancer-predisposing syndrome. Last evaluated: 2026-08-23. Review status: criteria provided, single submitter. Criteria: Ambry Variant Classification Scheme 2023. Collection method: clinical testing. Allele origin: germline.

GeneDx
Classification: Uncertain significance. Last evaluated: 2026-02-12. Review status: criteria provided, single submitter. Criteria: GeneDx Variant Classification Process June 2021. Collection method: clinical testing. Allele origin: germline.
Comment: Not observed at significant frequency in large population cohorts (gnomAD); In silico analysis suggests that this missense variant does not alter protein structure/function; Has not been previously published as pathogenic or benign to our knowledge

Labcorp Genetics (formerly Invitae), Labcorp
Classification: Uncertain significance. Last evaluated: 2025-06-12. Review status: criteria provided, single submitter. Criteria: Invitae Variant Classification Sherloc (09022015). Collection method: clinical testing. Allele origin: germline.
Comment: This sequence change replaces glutamic acid, which is acidic and polar, with lysine, which is basic and polar, at codon 446 of the LZTR1 protein (p.Glu446Lys). This variant is not present in population databases (gnomAD no frequency). This variant has not been reported in the literature in individuals affected with LZTR1-related conditions. ClinVar contains an entry for this variant (Variation ID: 1770244). Invitae Evidence Modeling of protein sequence and biophysical properties (such as structural, functional, and spatial information, amino acid conservation, physicochemical variation, residue mobility, and thermodynamic stability) indicates that this missense variant is not expected to disrupt LZTR1 protein function with a negative predictive value of 80%. In summary, the available evidence is currently insufficient to determine the role of this variant in disease. Therefore, it has been classified as a Variant of Uncertain Significance.